The following is an entry in ClinVar:

ClinVar aggregate classification (germline): Likely pathogenic (1 of 4 stars; one submission).

Conditions:
Gaucher disease. Also called: Acute cerebral Gaucher disease; Cerebroside lipidosis syndrome; Gaucher splenomegaly; Sphingolipidosis 1; Glucocerebrosidosis; Glucosylceramidase deficiency. Identifiers: Orphanet 355, MedGen C0017205, MONDO:0018150.

gnomAD v4.1: 2 of 1,613,784 alleles (0.00012%); highest among the groups gnomAD compares: East Asian, 0.0022%; no homozygotes.

Submission:

Natera, Inc.
Classification: Likely pathogenic for Gaucher disease. Last evaluated: 2025-11-24. Review status: criteria provided, single submitter. Criteria: Natera Variant Classification Schema (03/2026). Collection method: clinical testing. Allele origin: germline.
Comment: The c.1213A>G variant in GBA1 is a missense variant predicted to cause substitution of serine to glycine at amino acid 405. This variant is rare in the general population with a frequency below the threshold expected for the associated phenotype(s). This variant has been observed in one or more individuals affected with the associated recessive disease, as either homozygous or compound heterozygous with a second variant (PMID: 9061570, 38053927). This variant has been identified in one or more affected individual with a phenotype highly consistent with the associated gene (PMID: 9061570). Functional studies show that this variant may disrupt protein function (PMID: 9061570). Given the available evidence, this variant is classified as Likely Pathogenic.

Literature cited by the submitters: PubMed 9061570; PubMed 38053927.

NM_000157.4(GBA1):c.1213A>G (p.Ser405Gly)

Genes: GBA1 (glucosylceramidase beta 1; minus strand), LOC106627981 (GBA recombination region; plus strand). Cytogenetic location: 1q22.
Variant type: single nucleotide variant.
Coding change: c.1213A>G on transcript NM_000157.4 (MANE Select); coding-DNA position 1213, A replaced by G.
Protein change: p.Ser405Gly; replaces serine 405 with glycine.
Molecular consequence: missense variant.
Genome position (GRCh38, 1-based): chr1:155,236,256, T>C on the plus strand (A>G on the coding strand, the complement: GBA1 is on the minus strand). VCF-style: chr1-155236256-T-C. GRCh37 (hg19) VCF-style: chr1-155206047-T-C.
Other names: c.1213A>G, p.Ser405Gly (NM_001005741.3, NM_001005742.3); c.952A>G, p.Ser318Gly (NM_001171811.2); c.1066A>G, p.Ser356Gly (NM_001171812.2); short protein forms S318G, S356G, S405G.
Identifiers: ClinVar variation 4817698 (VCV004817698.1).